The following is an entry in ClinVar:

ClinVar aggregate classification (germline): Uncertain significance. Review status: criteria provided, multiple submitters, no conflicts (2 of 4 stars). 3 submissions from 3 submitters: Uncertain significance (3). Last evaluated 2024-12-02.

Conditions:
Hereditary cancer-predisposing syndrome. Also called: Tumor predisposition; Neoplastic Syndromes, Hereditary; Hereditary neoplastic syndrome; Hereditary Cancer Syndrome. Identifiers: Orphanet 140162, MedGen C0027672, MeSH D009386, MONDO:0015356.
Bloom syndrome (BLM). Also called: Bloom-Torre-Machacek syndrome. Identifiers: Orphanet 125, MedGen C0005859, MONDO:0008876, OMIM 210900.

Allele frequency attached by ClinVar (database versions not stated): ExAC 0.00002; gnomAD exomes below 0.00001 and 0.00001.
gnomAD v4.1: 2 of 1,614,046 alleles (0.00012%); highest among the groups gnomAD compares: Non-Finnish European, 0.00017%; no homozygotes.

Submissions (3):

Labcorp Genetics (formerly Invitae), Labcorp
Classification: Uncertain significance for Bloom syndrome. Last evaluated: 2024-12-02. Review status: criteria provided, single submitter. Criteria: Invitae Variant Classification Sherloc (09022015). Collection method: clinical testing. Allele origin: germline.
Comment: This sequence change replaces alanine, which is neutral and non-polar, with threonine, which is neutral and polar, at codon 833 of the BLM protein (p.Ala833Thr). This variant is present in population databases (rs763918749, gnomAD 0.002%). This missense change has been observed in individual(s) with breast cancer (PMID: 35264596). ClinVar contains an entry for this variant (Variation ID: 584890). Invitae Evidence Modeling of protein sequence and biophysical properties (such as structural, functional, and spatial information, amino acid conservation, physicochemical variation, residue mobility, and thermodynamic stability) indicates that this missense variant is expected to disrupt BLM protein function with a positive predictive value of 80%. In summary, the available evidence is currently insufficient to determine the role of this variant in disease. Therefore, it has been classified as a Variant of Uncertain Significance.

Ambry Genetics
Classification: Uncertain significance for Hereditary cancer-predisposing syndrome. Last evaluated: 2023-10-24. Review status: criteria provided, single submitter. Criteria: Ambry Variant Classification Scheme 2023. Collection method: clinical testing. Allele origin: germline.
Comment: The p.A833T variant (also known as c.2497G>A), located in coding exon 11 of the BLM gene, results from a G to A substitution at nucleotide position 2497. The alanine at codon 833 is replaced by threonine, an amino acid with similar properties. This amino acid position is highly conserved in available vertebrate species. In addition, the in silico prediction for this alteration is inconclusive. Since supporting evidence is limited at this time, the clinical significance of this alteration remains unclear.

Mendelics
Classification: Uncertain significance for Bloom syndrome. Last evaluated: 2018-07-02. Review status: criteria provided, single submitter. Criteria: Mendelics Assertion Criteria 2017. Collection method: clinical testing. Allele origin: unknown.

Literature cited by the submitters: PubMed 35264596 (cited by Labcorp Genetics (formerly Invitae), Labcorp).

NM_000057.4(BLM):c.2497G>A (p.Ala833Thr)

Gene: BLM (BLM RecQ like helicase; plus strand). Cytogenetic location: 15q26.1.
Variant type: single nucleotide variant.
Coding change: c.2497G>A on transcript NM_000057.4 (MANE Select); coding-DNA position 2497, G replaced by A.
Protein change: p.Ala833Thr; replaces alanine 833 with threonine.
Molecular consequence: missense variant.
Genome position (GRCh38, 1-based): chr15:90,769,528, G>A. VCF-style: chr15-90769528-G-A. GRCh37 (hg19) VCF-style: chr15-91312758-G-A.
Other names: c.2497G>A, p.Ala833Thr (NM_001287246.2, NM_001287247.2); c.1372G>A, p.Ala458Thr (NM_001287248.2); c.2497G>A (NM_000057.2); short protein forms A833T, A458T.
Identifiers: ClinVar variation 584890 (VCV000584890.6), dbSNP rs763918749, ClinGen allele CA7738793.